The following is an entry in ClinVar:

ClinVar aggregate classification (germline): Uncertain significance (1 of 4 stars; one submission).

Submission:

CeGaT Center for Human Genetics Tuebingen
Classification: Uncertain significance. Last evaluated: 2023-05-01. Review status: criteria provided, single submitter. Criteria: CeGaT Center For Human Genetics Tuebingen Variant Classification Criteria Version 2. Collection method: clinical testing. Allele origin: germline. Affected: yes. Observed: 1 variant allele.
Comment: KDM6A: PM2

NM_001291415.2(KDM6A):c.3165G>T (p.Gln1055His)

Gene: KDM6A (lysine demethylase 6A; plus strand). Cytogenetic location: Xp11.3.
Variant type: single nucleotide variant.
Coding change: c.3165G>T on transcript NM_001291415.2 (MANE Select); coding-DNA position 3165, G replaced by T.
Protein change: p.Gln1055His; replaces glutamine 1055 with histidine.
Molecular consequence: missense variant. On other transcripts: non-coding transcript variant (1).
Genome position (GRCh38, 1-based): chrX:45,079,216, G>T. VCF-style: chrX-45079216-G-T. GRCh37 (hg19) VCF-style: chrX-44938461-G-T.
Other names: c.3030G>T, p.Gln1010His (NM_001291416.2, NM_001419811.1); c.2874G>T, p.Gln958His (NM_001291417.2); c.2772G>T, p.Gln924His (NM_001291418.2, NM_001419815.1); c.2121G>T, p.Gln707His (NM_001291421.2); c.2907G>T, p.Gln969His (NM_001410742.1, NM_001419814.1); c.3165G>T, p.Gln1055His (NM_001419809.1); c.3063G>T, p.Gln1021His (NM_001419810.1, NM_001419813.1); c.3009G>T, p.Gln1003His (NM_001419812.1, NM_021140.4); short protein forms Q1003H, Q1010H, Q1021H, Q1055H, Q707H, Q924H, Q958H, Q969H.
Identifiers: ClinVar variation 2660374 (VCV002660374.24), dbSNP rs2148119301, ClinGen allele CA412801194.